The following is an entry in ClinVar:

ClinVar aggregate classification (germline): Uncertain significance. Review status: criteria provided, multiple submitters, no conflicts (2 of 4 stars). 3 submissions from 3 submitters: Uncertain significance (3). Last evaluated 2025-06-09.

Conditions:
CLDN14-related disorder. Also called: CLDN14-related condition.
Autosomal recessive nonsyndromic hearing loss 29. Identifiers: Orphanet 90636, MedGen C3279660, MONDO:0013537, OMIM 614035.

Allele frequency attached by ClinVar (database versions not stated): ExAC 0.00003; gnomAD exomes 0.00006 and 0.00013; TOPMed 0.00008; gnomAD 0.00010 and 0.00011; ESP Exome Variant Server 0.00015.
gnomAD v4.1: 205 of 1,613,056 alleles (0.013%); highest among the groups gnomAD compares: Middle Eastern, 0.016%; 1 homozygote.

Submissions (3):

PreventionGenetics, part of Exact Sciences
Classification: Uncertain significance for CLDN14-related condition. Last evaluated: 2025-06-09. Review status: criteria provided, single submitter. Criteria: ACMG Guidelines, 2015. Collection method: clinical testing. Allele origin: germline.
Comment: The CLDN14 c.295G>A variant is predicted to result in the amino acid substitution p.Val99Ile. To our knowledge, this variant has not been reported in the literature. This variant is reported in 0.030% of alleles in individuals of East Asian descent in gnomAD. At this time, the clinical significance of this variant is uncertain due to the absence of conclusive functional and genetic evidence.

GeneDx
Classification: Uncertain significance. Last evaluated: 2023-02-14. Review status: criteria provided, single submitter. Criteria: GeneDx Variant Classification Process June 2021. Collection method: clinical testing. Allele origin: germline. Affected: yes.
Comment: In silico analysis supports that this missense variant does not alter protein structure/function; Has not been previously published as pathogenic or benign to our knowledge

Illumina Laboratory Services, Illumina
Classification: Uncertain significance for Autosomal recessive nonsyndromic hearing loss 29. Last evaluated: 2018-01-12. Review status: criteria provided, single submitter. Criteria: ICSL Variant Classification Criteria 13 December 2019. Collection method: clinical testing. Allele origin: germline.

NM_001146079.2(CLDN14):c.295G>A (p.Val99Ile)

Genes: CLDN14 (claudin 14; minus strand), CLDN14-AS1 (CLDN14 antisense RNA 1; plus strand). Cytogenetic location: 21q22.13.
Variant type: single nucleotide variant.
Coding change: c.295G>A on transcript NM_001146079.2 (MANE Select); coding-DNA position 295, G replaced by A.
Protein change: p.Val99Ile; replaces valine 99 with isoleucine.
Molecular consequence: missense variant.
Genome position (GRCh38, 1-based): chr21:36,461,401, C>T on the plus strand (G>A on the coding strand, the complement: CLDN14 is on the minus strand). VCF-style: chr21-36461401-C-T. GRCh37 (hg19) VCF-style: chr21-37833699-C-T.
Other names: c.295G>A, p.Val99Ile (NM_001146077.2, NM_001146078.3, NM_012130.4 and 1 more transcripts); c.295G>A (NM_001146077.1); short protein forms V99I.
Identifiers: ClinVar variation 339891 (VCV000339891.7), dbSNP rs371106978, ClinGen allele CA10019295.